The following is an entry in ClinVar:

NM_002661.5(PLCG2):c.431+37G>C

Gene: PLCG2 (phospholipase C gamma 2; plus strand). Cytogenetic location: 16q23.3.
Variant type: single nucleotide variant.
Coding change: c.431+37G>C on transcript NM_002661.5 (MANE Select); 37 bases into the intron after coding-DNA position 431, G replaced by C.
Molecular consequence: intron variant.
Genome position (GRCh38, 1-based): chr16:81,858,393, G>C. VCF-style: chr16-81858393-G-C. GRCh37 (hg19) VCF-style: chr16-81891998-G-C.
Identifiers: ClinVar variation 1269944 (VCV001269944.6), dbSNP rs4341734, ClinGen allele CA8193191.
Genomic context (GRCh38, chr16:81,858,393, plus strand): 5'-GTCCACGCCCACCATTATCGAGAGGTAGTTGGCTTTTGCCTGTTGATTTGCGTAGTTGCT[G>C]ATTCCTTTATTCTGCTGCCTTTAGCCAACATGGGCTACAGGGGGGAAAAAAAAAAAAAGG-3'

ClinVar aggregate classification (germline): Benign. Review status: criteria provided, multiple submitters, no conflicts (2 of 4 stars). 5 submissions from 4 submitters: Benign (5). Last evaluated 2023-11-12.

Conditions:
Autoinflammation-PLCG2-associated antibody deficiency-immune dysregulation. Also called: Autoinflammation, antibody deficiency, and immune dysregulation, plcg2-associated; AUTOINFLAMMATION, ANTIBODY DEFICIENCY, AND IMMUNE DYSREGULATION; Autoinflammation, antibody deficiency, and immune dysregulation syndrome. Identifiers: Orphanet 324530, MedGen C3553961, MONDO:0013944, OMIM 614878.
Familial cold autoinflammatory syndrome 3 (FCAS3). Also called: FAMILIAL ATYPICAL COLD URTICARIA; ANTIBODY DEFICIENCY AND IMMUNE DYSREGULATION, PLCG2-ASSOCIATED. Identifiers: Orphanet 300359, MedGen C3280914, MONDO:0013766, OMIM 614468.

Allele frequency attached by ClinVar (database versions not stated): 1000 Genomes Project 30x 0.70253; 1000 Genomes Project 0.70827; TOPMed 0.73430; gnomAD 0.74893 and 0.74949; ESP Exome Variant Server 0.75350; ExAC 0.79034.
gnomAD v4.1: 1,135,023 of 1,409,220 alleles (81%); highest among the groups gnomAD compares: Non-Finnish European, 83%; 460,505 homozygotes.

Submissions (5):

Unidad de Genómica Garrahan, Hospital de Pediatría Garrahan
Classification: Benign. Last evaluated: 2023-11-12. Review status: criteria provided, single submitter. Criteria: ACMG Guidelines, 2015. Collection method: clinical testing. Allele origin: germline. Affected: no. Observed: 93 variant alleles.
Comment: This variant is classified as Benign based on local population frequency. This variant was detected in 97% of patients studied by a panel of primary immunodeficiencies. Number of patients: 93. Only high quality variants are reported.

Genome-Nilou Lab
Classification: Benign for Autoinflammation-PLCG2-associated antibody deficiency-immune dysregulation. Last evaluated: 2021-10-25. Review status: criteria provided, single submitter. Criteria: ACMG Guidelines, 2015. Collection method: clinical testing. Allele origin: germline. Affected: no.

Genome-Nilou Lab
Classification: Benign for Familial cold autoinflammatory syndrome 3. Last evaluated: 2021-10-25. Review status: criteria provided, single submitter. Criteria: ACMG Guidelines, 2015. Collection method: clinical testing. Allele origin: germline. Affected: no.

GeneDx
Classification: Benign. Last evaluated: 2021-05-14. Review status: criteria provided, single submitter. Criteria: GeneDx Variant Classification Process June 2021. Collection method: clinical testing. Allele origin: germline. Affected: yes.

Breakthrough Genomics
Classification: Benign. Review status: criteria provided, single submitter. Criteria: ACMG Guidelines, 2015. Collection method: not provided. Allele origin: germline. Inheritance: Autosomal dominant inheritance. Affected: yes.